The following is an entry in ClinVar:

NM_018897.3(DNAH7):c.8848C>T (p.Leu2950Phe)

Gene: DNAH7 (dynein axonemal heavy chain 7; minus strand). Cytogenetic location: 2q32.3.
Variant type: single nucleotide variant.
Coding change: c.8848C>T on transcript NM_018897.3 (MANE Select); coding-DNA position 8848, C replaced by T.
Protein change: p.Leu2950Phe; replaces leucine 2950 with phenylalanine.
Molecular consequence: missense variant.
Genome position (GRCh38, 1-based): chr2:195,845,099, G>A on the plus strand (C>T on the coding strand, the complement: DNAH7 is on the minus strand). VCF-style: chr2-195845099-G-A. GRCh37 (hg19) VCF-style: chr2-196709823-G-A.
Other names: short protein forms L2950F.
Identifiers: ClinVar variation 3042650 (VCV003042650.2), dbSNP rs189560274, ClinGen allele CA2034532.

ClinVar aggregate classification (germline): Likely benign (0 of 4 stars; one submission).

Conditions:
DNAH7-related disorder. Also called: DNAH7-related condition.

Allele frequency attached by ClinVar (database versions not stated): TOPMed 0.00002; gnomAD 0.00012; gnomAD exomes 0.00029; ExAC 0.00057; 1000 Genomes Project 30x 0.00094; 1000 Genomes Project 0.00100.
gnomAD v4.1: 443 of 1,613,878 alleles (0.027%); highest among the groups gnomAD compares: South Asian, 0.47%; 7 homozygotes.

Submission:

PreventionGenetics, part of Exact Sciences
Classification: Likely benign for DNAH7-related condition. Last evaluated: 2019-06-19. Review status: no assertion criteria provided. Collection method: clinical testing. Allele origin: germline.
Comment: This variant is classified as likely benign based on ACMG/AMP sequence variant interpretation guidelines (Richards et al. 2015 PMID: 25741868, with internal and published modifications).